The following is an entry in ClinVar:

NM_006346.4(PIBF1):c.1282G>A (p.Glu428Lys)

Gene: PIBF1 (progesterone immunomodulatory binding factor 1; plus strand). Cytogenetic location: 13q22.1.
Variant type: single nucleotide variant.
Coding change: c.1282G>A on transcript NM_006346.4 (MANE Select); coding-DNA position 1282, G replaced by A.
Protein change: p.Glu428Lys; replaces glutamic acid 428 with lysine.
Molecular consequence: missense variant. On other transcripts: non-coding transcript variant (2).
Genome position (GRCh38, 1-based): chr13:72,854,115, G>A. VCF-style: chr13-72854115-G-A. GRCh37 (hg19) VCF-style: chr13-73428253-G-A.
Other names: c.1369G>A, p.Glu457Lys (NM_001349655.2); short protein forms E428K, E457K.
Identifiers: ClinVar variation 4807346 (VCV004807346.1).

ClinVar aggregate classification (germline): Uncertain significance (1 of 4 stars; one submission).

Submission:

Labcorp Genetics (formerly Invitae), Labcorp
Classification: Uncertain significance. Last evaluated: 2025-10-02. Review status: criteria provided, single submitter. Criteria: Invitae Variant Classification Sherloc (09022015). Collection method: clinical testing. Allele origin: germline.
Comment: This sequence change replaces glutamic acid, which is acidic and polar, with lysine, which is basic and polar, at codon 428 of the PIBF1 protein (p.Glu428Lys). This variant is present in population databases (no rsID available, gnomAD 0.004%). This variant has not been reported in the literature in individuals affected with PIBF1-related conditions. Invitae Evidence Modeling of protein sequence and biophysical properties (such as structural, functional, and spatial information, amino acid conservation, physicochemical variation, residue mobility, and thermodynamic stability) has been performed for this missense variant. However, the output from this modeling did not meet the statistical confidence thresholds required to predict the impact of this variant on PIBF1 protein function. In summary, the available evidence is currently insufficient to determine the role of this variant in disease. Therefore, it has been classified as a Variant of Uncertain Significance.